The following is an entry in ClinVar:

ClinVar aggregate classification (germline): Uncertain significance. Review status: criteria provided, multiple submitters, no conflicts (2 of 4 stars). 2 submissions from 2 submitters: Uncertain significance (2). Last evaluated 2025-05-05.

Conditions:
Pheochromocytoma/paraganglioma syndrome 5. Also called: Paragangliomas 5; SDHA-Related Hereditary Paraganglioma-Pheochromocytoma Syndrome. Identifiers: Orphanet 29072, MedGen C3279992, MONDO:0013602, OMIM 614165.
Mitochondrial complex II deficiency, nuclear type 1. Also called: SUCCINATE CoQ REDUCTASE DEFICIENCY. Identifiers: Orphanet 3208, MedGen C5700310, MONDO:0100294, OMIM 252011.
Hereditary cancer-predisposing syndrome. Also called: Tumor predisposition; Hereditary neoplastic syndrome; Neoplastic Syndromes, Hereditary; Hereditary Cancer Syndrome. Identifiers: Orphanet 140162, MedGen C0027672, MeSH D009386, MONDO:0015356.

gnomAD v4.1: 1 of 1,597,786 alleles (0.000063%); highest among the groups gnomAD compares: African/African-American, 0.0013%; no homozygotes.

Submissions (2):

Labcorp Genetics (formerly Invitae), Labcorp
Classification: Uncertain significance for Pheochromocytoma/paraganglioma syndrome 5; Mitochondrial complex II deficiency, nuclear type 1. Last evaluated: 2025-05-05. Review status: criteria provided, single submitter. Criteria: Invitae Variant Classification Sherloc (09022015). Collection method: clinical testing. Allele origin: germline.
Comment: This sequence change replaces proline, which is neutral and non-polar, with leucine, which is neutral and non-polar, at codon 482 of the SDHA protein (p.Pro482Leu). This variant is not present in population databases (gnomAD no frequency). This variant has not been reported in the literature in individuals affected with SDHA-related conditions. ClinVar contains an entry for this variant (Variation ID: 819237). Invitae Evidence Modeling of protein sequence and biophysical properties (such as structural, functional, and spatial information, amino acid conservation, physicochemical variation, residue mobility, and thermodynamic stability) indicates that this missense variant is not expected to disrupt SDHA protein function with a negative predictive value of 95%. In summary, the available evidence is currently insufficient to determine the role of this variant in disease. Therefore, it has been classified as a Variant of Uncertain Significance.

Ambry Genetics
Classification: Uncertain significance for Hereditary cancer-predisposing syndrome. Last evaluated: 2019-03-11. Review status: criteria provided, single submitter. Criteria: Ambry Variant Classification Scheme 2023. Collection method: clinical testing. Allele origin: germline.
Comment: The p.P482L variant (also known as c.1445C>T), located in coding exon 11 of the SDHA gene, results from a C to T substitution at nucleotide position 1445. The proline at codon 482 is replaced by leucine, an amino acid with similar properties. This amino acid position is highly conserved through mammals but not in all available vertebrate species. In addition, this alteration is predicted to be tolerated by in silico analysis. Since supporting evidence is limited at this time, the clinical significance of this alteration remains unclear.

NM_004168.4(SDHA):c.1445C>T (p.Pro482Leu)

Gene: SDHA (succinate dehydrogenase complex flavoprotein subunit A; plus strand). Cytogenetic location: 5p15.33.
Variant type: single nucleotide variant.
Coding change: c.1445C>T on transcript NM_004168.4 (MANE Select); coding-DNA position 1445, C replaced by T.
Protein change: p.Pro482Leu; replaces proline 482 with leucine.
Molecular consequence: missense variant.
Genome position (GRCh38, 1-based): chr5:240,370, C>T. VCF-style: chr5-240370-C-T. GRCh37 (hg19) VCF-style: chr5-240485-C-T.
Other names: c.1301C>T, p.Pro434Leu (NM_001294332.2); c.1445C>T, p.Pro482Leu (NM_001330758.2); short protein forms P434L, P482L.
Identifiers: ClinVar variation 819237 (VCV000819237.17), dbSNP rs759661610, ClinGen allele CA359014182.